The following is an entry in ClinVar:

NM_001101362.3(KBTBD13):c.415G>A (p.Glu139Lys)

Gene: KBTBD13 (kelch repeat and BTB domain containing 13; plus strand). Cytogenetic location: 15q22.31.
Variant type: single nucleotide variant.
Coding change: c.415G>A on transcript NM_001101362.3 (MANE Select); coding-DNA position 415, G replaced by A.
Protein change: p.Glu139Lys; replaces glutamic acid 139 with lysine.
Molecular consequence: missense variant.
Genome position (GRCh38, 1-based): chr15:65,077,230, G>A. VCF-style: chr15-65077230-G-A. GRCh37 (hg19) VCF-style: chr15-65369568-G-A.
Other names: short protein forms E139K.
Identifiers: ClinVar variation 1021932 (VCV001021932.9), dbSNP rs1244821047, ClinGen allele CA392860588.

ClinVar aggregate classification (germline): Uncertain significance (1 of 4 stars; one submission).

Conditions:
Nemaline myopathy 6 (NEM6). Also called: Nemaline myopathy 6, autosomal dominant. Identifiers: Orphanet 171439, MedGen C1836472, MONDO:0012237, OMIM 609273.

Allele frequency attached by ClinVar (database versions not stated): gnomAD below 0.00001 and 0.00001; 1000 Genomes Project 30x 0.00016.

Submission:

Labcorp Genetics (formerly Invitae), Labcorp
Classification: Uncertain significance for Nemaline myopathy 6. Last evaluated: 2022-08-16. Review status: criteria provided, single submitter. Criteria: Invitae Variant Classification Sherloc (09022015). Collection method: clinical testing. Allele origin: germline.
Comment: In summary, the available evidence is currently insufficient to determine the role of this variant in disease. Therefore, it has been classified as a Variant of Uncertain Significance. Algorithms developed to predict the effect of missense changes on protein structure and function (SIFT, PolyPhen-2, Align-GVGD) all suggest that this variant is likely to be tolerated. ClinVar contains an entry for this variant (Variation ID: 1021932). This variant has not been reported in the literature in individuals affected with KBTBD13-related conditions. The frequency data for this variant in the population databases is considered unreliable, as metrics indicate poor data quality at this position in the gnomAD database. This sequence change replaces glutamic acid, which is acidic and polar, with lysine, which is basic and polar, at codon 139 of the KBTBD13 protein (p.Glu139Lys).